The following is an entry in ClinVar:

ClinVar aggregate classification (germline): Uncertain significance (1 of 4 stars; one submission).

Allele frequency attached by ClinVar (database versions not stated): gnomAD exomes below 0.00001 and 0.00001; ExAC 0.00001; TOPMed 0.00001.
gnomAD v4.1: 4 of 1,614,178 alleles (0.00025%); highest among the groups gnomAD compares: Admixed American, 0.0017%; no homozygotes.

Submission:

Labcorp Genetics (formerly Invitae), Labcorp
Classification: Uncertain significance. Last evaluated: 2025-12-17. Review status: criteria provided, single submitter. Criteria: Invitae Variant Classification Sherloc (09022015). Collection method: clinical testing. Allele origin: germline.
Comment: This sequence change replaces serine, which is neutral and polar, with phenylalanine, which is neutral and non-polar, at codon 447 of the BACH2 protein (p.Ser447Phe). This variant is present in population databases (rs745477920, gnomAD 0.003%). This variant has not been reported in the literature in individuals affected with BACH2-related conditions. ClinVar contains an entry for this variant (Variation ID: 1442396). Invitae Evidence Modeling of protein sequence and biophysical properties (such as structural, functional, and spatial information, amino acid conservation, physicochemical variation, residue mobility, and thermodynamic stability) has been performed for this missense variant. However, the output from this modeling did not meet the statistical confidence thresholds required to predict the impact of this variant on BACH2 protein function. In summary, the available evidence is currently insufficient to determine the role of this variant in disease. Therefore, it has been classified as a Variant of Uncertain Significance.

NM_021813.4(BACH2):c.1340C>T (p.Ser447Phe)

Gene: BACH2 (BACH transcriptional regulator 2; minus strand). Cytogenetic location: 6q15.
Variant type: single nucleotide variant.
Coding change: c.1340C>T on transcript NM_021813.4 (MANE Select); coding-DNA position 1340, C replaced by T.
Protein change: p.Ser447Phe; replaces serine 447 with phenylalanine.
Molecular consequence: missense variant.
Genome position (GRCh38, 1-based): chr6:89,950,766, G>A on the plus strand (C>T on the coding strand, the complement: BACH2 is on the minus strand). VCF-style: chr6-89950766-G-A. GRCh37 (hg19) VCF-style: chr6-90660485-G-A.
Other names: c.1340C>T, p.Ser447Phe (NM_001170794.2); short protein forms S447F.
Identifiers: ClinVar variation 1442396 (VCV001442396.6), dbSNP rs745477920, ClinGen allele CA3928001.